The following is an entry in ClinVar:

NM_178859.4(SLC51B):c.188G>A (p.Arg63Lys)

Genes: SLC51B (SLC51 subunit beta; plus strand), RASL12 (RAS like family 12; minus strand). Cytogenetic location: 15q22.31.
Variant type: single nucleotide variant.
Coding change: c.188G>A on transcript NM_178859.4 (MANE Select); coding-DNA position 188, G replaced by A.
Protein change: p.Arg63Lys; replaces arginine 63 with lysine.
Molecular consequence: missense variant.
Genome position (GRCh38, 1-based): chr15:65,051,605, G>A. VCF-style: chr15-65051605-G-A. GRCh37 (hg19) VCF-style: chr15-65343943-G-A.
Other names: short protein forms R63K.
Identifiers: ClinVar variation 2072471 (VCV002072471.4), dbSNP rs776021382, ClinGen allele CA7613484.

ClinVar aggregate classification (germline): Uncertain significance (1 of 4 stars; one submission).

Allele frequency attached by ClinVar (database versions not stated): ExAC 0.00002; gnomAD exomes 0.00003; gnomAD 0.00004; TOPMed 0.00005.
gnomAD v4.1: 54 of 1,613,124 alleles (0.0033%); highest among the groups gnomAD compares: Middle Eastern, 0.066%; no homozygotes.

Submission:

Labcorp Genetics (formerly Invitae), Labcorp
Classification: Uncertain significance. Last evaluated: 2025-06-09. Review status: criteria provided, single submitter. Criteria: Invitae Variant Classification Sherloc (09022015). Collection method: clinical testing. Allele origin: germline.
Comment: This sequence change replaces arginine, which is basic and polar, with lysine, which is basic and polar, at codon 63 of the SLC51B protein (p.Arg63Lys). This variant also falls at the last nucleotide of exon 3, which is part of the consensus splice site for this exon. This variant is present in population databases (rs776021382, gnomAD 0.07%), and has an allele count higher than expected for a pathogenic variant. This variant has not been reported in the literature in individuals affected with SLC51B-related conditions. ClinVar contains an entry for this variant (Variation ID: 2072471). An algorithm developed to predict the effect of missense changes on protein structure and function (PolyPhen-2) suggests that this variant is likely to be disruptive. Variants that disrupt the consensus splice site are a relatively common cause of aberrant splicing (PMID: 17576681, 9536098). Algorithms developed to predict the effect of sequence changes on RNA splicing suggest that this variant may disrupt the consensus splice site. In summary, the available evidence is currently insufficient to determine the role of this variant in disease. Therefore, it has been classified as a Variant of Uncertain Significance.

Literature cited by the submitters: PubMed 17576681; PubMed 9536098.